The following is an entry in ClinVar:

ClinVar aggregate classification (germline): Likely pathogenic. Review status: criteria provided, multiple submitters, no conflicts (2 of 4 stars). 4 submissions from 4 submitters: Likely pathogenic (4). Last evaluated 2025-08-11.

Conditions:
TXNL4A-related disorder. Also called: TXNL4A-related condition.
Choanal atresia-hearing loss-cardiac defects-craniofacial dysmorphism syndrome (BMKS). Also called: OCULOOTOFACIAL DYSPLASIA; Branchio oculo facial syndrome Hing type; Burn-McKeown syndrome; Burn-McKeown Syndrome (BMKS). Identifiers: Orphanet 1200, MedGen C1837822, MONDO:0012064, OMIM 608572.

Submissions (4):

GeneDx
Classification: Likely pathogenic. Last evaluated: 2025-08-11. Review status: criteria provided, single submitter. Criteria: GeneDx Variant Classification Process June 2021. Collection method: clinical testing. Allele origin: germline. Affected: yes.
Comment: Frameshift variant predicted to result in protein truncation or nonsense mediated decay in a gene for which loss of function is a known mechanism of disease; Not observed at significant frequency in large population cohorts (gnomAD); Has not been previously published as pathogenic or benign to our knowledge

Fulgent Genetics
Classification: Likely pathogenic for Choanal atresia-hearing loss-cardiac defects-craniofacial dysmorphism syndrome. Last evaluated: 2024-04-08. Review status: criteria provided, single submitter. Criteria: ACMG Guidelines, 2015. Collection method: clinical testing. Allele origin: germline.

Laboratory for Molecular Medicine, Mass General Brigham Personalized Medicine
Classification: Likely pathogenic for Choanal atresia-hearing loss-cardiac defects-craniofacial dysmorphism syndrome. Last evaluated: 2024-01-08. Review status: criteria provided, single submitter. Criteria: ACMG Guidelines, 2015. Collection method: clinical testing. Allele origin: germline. Inheritance: Autosomal recessive inheritance.
Comment: The p.Phe30ValfsX16 variant in TXNL4A has not been previously reported in individuals with TXNL4A-related craniofacial disorders, including Burn-McKeown syndrome (BMKS), but has been reported by other clinical laboratories in ClinVar (Variation ID 451615). It was absent from large population studies (gnomAD v.3.1.2). This variant is predicted to cause a frameshift, which alters the protein’s amino acid sequence beginning at position 30 and leads to a premature termination codon 16 amino acids downstream. This alteration is then predicted to lead to a truncated or absent protein. Biallelic loss of function of the TXNL4A gene is strongly associated with TXNL4A-related craniofacial disorders, including BMKS (Wieczorek 2014 PMID: 25434003, Wood 2020 PMID: 32735620). The majority of individuals reported with this condition have been found to have a loss of function variant on one allele and a 34-bp promoter deletion on the other (Wieczorek 2014 PMID: 25434003). In summary, although additional studies are required to fully establish its clinical significance, this variant meets criteria to be classified as likely pathogenic for autosomal recessive TXNL4A-related craniofacial disorders. ACMG/AMP Criteria applied: PVS1, PM2_Supporting.

Blueprint Genetics
Classification: Likely pathogenic for TXNL4A-related disorders. Last evaluated: 2018-02-08. Review status: criteria provided, single submitter. Criteria: ACMG Guidelines, 2015. Collection method: clinical testing. Allele origin: germline. Affected: yes. Observed: 1 variant allele.

Literature cited by the submitters: PubMed 25434003 (cited by Laboratory for Molecular Medicine, Mass General Brigham Personalized Medicine); PubMed 32735620 (cited by Laboratory for Molecular Medicine, Mass General Brigham Personalized Medicine).

NM_006701.5(TXNL4A):c.88_110del (p.Phe30fs)

Gene: TXNL4A (thioredoxin like 4A; minus strand). Cytogenetic location: 18q23.
Variant type: Deletion.
Coding change: c.88_110del on transcript NM_006701.5 (MANE Select); coding-DNA positions 88 to 110, 23 bases deleted (TTCGGCCACGACTGGGATCCTAC).
Protein change: p.Phe30fs; shifts the reading frame from phenylalanine 30.
Molecular consequence: frameshift variant. On other transcripts: 5 prime UTR variant (1), non-coding transcript variant (3), intron variant (2).
Genome position (GRCh38, 1-based): chr18:79,988,283-79,988,305, GTAGGATCCCAGTCGTGGCCGAA deleted on the plus strand (TTCGGCCACGACTGGGATCCTAC on the coding strand, the reverse complement: TXNL4A is on the minus strand); deleting any 23 consecutive bases within chr18:79,988,283-79,988,306 gives the same sequence; the c. name uses the placement nearest the transcript's 3' end. VCF-style (leftmost placement, unchanged base first): chr18-79988282-CGTAGGATCCCAGTCGTGGCCGAA-C. GRCh37 (hg19) VCF-style: chr18-77748282-CGTAGGATCCCAGTCGTGGCCGAA-C.
Other names: c.-179_-157del (NM_001303471.3); c.88_110del, p.Phe30fs (NM_001305557.2); c.-60-10604_-60-10582del (NM_001305564.2, NM_001305563.2); c.88_110del (NM_006701.4); c.88_110delTTCGGCCACGACTGGGATCCTAC (NM_006701.4); short protein forms F30fs.
Identifiers: ClinVar variation 451615 (VCV000451615.6), dbSNP rs1555719172, ClinGen allele CA658658762.